The following is an entry in ClinVar:

NM_001242957.3(MAK):c.1669C>T (p.Gln557Ter)

Gene: MAK (male germ cell associated kinase; minus strand). Cytogenetic location: 6p24.2.
Variant type: single nucleotide variant.
Coding change: c.1669C>T on transcript NM_001242957.3 (MANE Select); coding-DNA position 1669, C replaced by T.
Protein change: p.Gln557Ter; replaces glutamine 557 with a stop codon.
Molecular consequence: nonsense. On other transcripts: intron variant (3).
Genome position (GRCh38, 1-based): chr6:10,773,037, G>A on the plus strand (C>T on the coding strand, the complement: MAK is on the minus strand). VCF-style: chr6-10773037-G-A. GRCh37 (hg19) VCF-style: chr6-10773270-G-A.
Other names: c.1495+2291C>T (NM_001377262.1); c.1597+2291C>T (NM_005906.6, NM_001242385.2); short protein forms Q557*.
Identifiers: ClinVar variation 2984487 (VCV002984487.3), dbSNP rs1773157863, ClinGen allele CA362715034.
Genomic context (GRCh38, chr6:10,773,037, plus strand): 5'-AAAATCAGACAAGAGATTCAAAGAACAAACTGCATTCATCTGACGCCCAGAAATTACCTT[G>A]TGGGTCCTCTAATTTTTCAGGAAAAGTTTCATTGCATGATAGTTTTTCGATTGGTTTAAT-3'

ClinVar aggregate classification (germline): Pathogenic (1 of 4 stars; one submission).

gnomAD v4.1: 2 of 1,526,824 alleles (0.00013%); highest among the groups gnomAD compares: Non-Finnish European, 0.00018%; no homozygotes.

Submission:

Labcorp Genetics (formerly Invitae), Labcorp
Classification: Pathogenic. Last evaluated: 2023-05-02. Review status: criteria provided, single submitter. Criteria: Invitae Variant Classification Sherloc (09022015). Collection method: clinical testing. Allele origin: germline.
Comment: This sequence change creates a premature translational stop signal (p.Gln557*) in the MAK gene. It is expected to result in an absent or disrupted protein product. Loss-of-function variants in MAK are known to be pathogenic (PMID: 21148103, 21825139, 24938718, 29781741). This variant is not present in population databases (gnomAD no frequency). This variant has not been reported in the literature in individuals affected with MAK-related conditions. For these reasons, this variant has been classified as Pathogenic.

Literature cited by the submitters: PubMed 21148103; PubMed 21825139; PubMed 24938718; PubMed 29781741.